The following is an entry in ClinVar:

NM_005502.4(ABCA1):c.6302C>G (p.Ser2101Cys)

Genes: ABCA1 (ATP binding cassette subfamily A member 1; minus strand), NIPSNAP3B (nipsnap homolog 3B; plus strand). Cytogenetic location: 9q31.1.
Variant type: single nucleotide variant.
Coding change: c.6302C>G on transcript NM_005502.4 (MANE Select); coding-DNA position 6302, C replaced by G.
Protein change: p.Ser2101Cys; replaces serine 2101 with cysteine.
Molecular consequence: missense variant.
Genome position (GRCh38, 1-based): chr9:104,786,879, G>C on the plus strand (C>G on the coding strand, the complement: ABCA1 is on the minus strand). VCF-style: chr9-104786879-G-C. GRCh37 (hg19) VCF-style: chr9-107549160-G-C.
Other names: short protein forms S2101C.
Identifiers: ClinVar variation 1752735 (VCV001752735.2), dbSNP rs2538033279, ClinGen allele CA374305413.

ClinVar aggregate classification (germline): Uncertain significance (1 of 4 stars; one submission).

Conditions:
Cardiovascular phenotype. Identifiers: MedGen CN230736.

gnomAD v4.1: 1 of 1,613,340 alleles (0.000062%); no homozygotes.

Submission:

Ambry Genetics
Classification: Uncertain significance for Cardiovascular phenotype. Last evaluated: 2021-12-13. Review status: criteria provided, single submitter. Criteria: Ambry Variant Classification Scheme 2023. Collection method: clinical testing. Allele origin: germline.
Comment: The p.S2101C variant (also known as c.6302C>G), located in coding exon 46 of the ABCA1 gene, results from a C to G substitution at nucleotide position 6302. The serine at codon 2101 is replaced by cysteine, an amino acid with dissimilar properties. This amino acid position is conserved. In addition, this alteration is predicted to be deleterious by in silico analysis. Since supporting evidence is limited at this time, the clinical significance of this alteration remains unclear.